The following is an entry in ClinVar:

ClinVar aggregate classification (germline): Pathogenic (1 of 4 stars; one submission).

Submission:

Labcorp Genetics (formerly Invitae), Labcorp
Classification: Pathogenic. Last evaluated: 2024-10-14. Review status: criteria provided, single submitter. Criteria: Invitae Variant Classification Sherloc (09022015). Collection method: clinical testing. Allele origin: germline.
Comment: This sequence change creates a premature translational stop signal (p.Asn414Lysfs*117) in the CARMIL2 gene. It is expected to result in an absent or disrupted protein product. Loss-of-function variants in CARMIL2 are known to be pathogenic (PMID: 27647349, 28112205). This variant is not present in population databases (gnomAD no frequency). This variant has not been reported in the literature in individuals affected with CARMIL2-related conditions. For these reasons, this variant has been classified as Pathogenic.

Literature cited by the submitters: PubMed 27647349; PubMed 28112205.

NM_001013838.3(CARMIL2):c.1241dup (p.Asn414fs)

Gene: CARMIL2 (capping protein regulator and myosin 1 linker 2; plus strand). Cytogenetic location: 16q22.1.
Variant type: Duplication.
Coding change: c.1241dup on transcript NM_001013838.3 (MANE Select); coding-DNA position 1241, one base duplicated (A; older notation c.1241dupA).
Protein change: p.Asn414fs; shifts the reading frame from asparagine 414.
Molecular consequence: frameshift variant. On other transcripts: intron variant (1).
Genome position (GRCh38, 1-based): chr16:67,648,221, A duplicated; the last of 2 consecutive A bases (chr16:67,648,220-67,648,221); duplicating either gives the same sequence. VCF-style (leftmost placement, unchanged base first): chr16-67648219-C-CA. GRCh37 (hg19) VCF-style: chr16-67682122-C-CA.
Other names: c.1150-17dup (NM_001317026.3); short protein forms N414fs.
Identifiers: ClinVar variation 2728157 (VCV002728157.3), dbSNP rs2543545760, ClinGen allele CA2697555949.